The following is an entry in ClinVar:

ClinVar aggregate classification (germline): Uncertain significance. Review status: criteria provided, multiple submitters, no conflicts (2 of 4 stars). 3 submissions from 3 submitters: Uncertain significance (3). Last evaluated 2025-02-24.

Conditions:
Hereditary cancer-predisposing syndrome. Also called: Tumor predisposition; Hereditary neoplastic syndrome; Neoplastic Syndromes, Hereditary; Hereditary Cancer Syndrome. Identifiers: Orphanet 140162, MedGen C0027672, MeSH D009386, MONDO:0015356.
Gastrointestinal stromal tumor. Also called: Gastrointestinal stroma tumor; Gastrointestinal stromal tumor, somatic. Identifiers: Orphanet 44890, MedGen C0238198, MeSH D046152, MONDO:0011719, OMIM 606764, HP:0100723.

gnomAD v4.1: 1 of 1,613,942 alleles (0.000062%); highest among the groups gnomAD compares: Non-Finnish European, 0.000085%; no homozygotes.

Submissions (3):

GeneDx
Classification: Uncertain significance. Last evaluated: 2025-02-24. Review status: criteria provided, single submitter. Criteria: GeneDx Variant Classification Process June 2021. Collection method: clinical testing. Allele origin: germline. Affected: yes.
Comment: Not observed at significant frequency in large population cohorts (gnomAD); In silico analysis indicates that this missense variant does not alter protein structure/function; Has not been previously published as pathogenic or benign to our knowledge

Ambry Genetics
Classification: Uncertain significance for Hereditary cancer-predisposing syndrome. Last evaluated: 2023-11-17. Review status: criteria provided, single submitter. Criteria: Ambry Variant Classification Scheme 2023. Collection method: clinical testing. Allele origin: germline.
Comment: The p.T717I variant (also known as c.2150C>T), located in coding exon 14 of the PDGFRA gene, results from a C to T substitution at nucleotide position 2150. The threonine at codon 717 is replaced by isoleucine, an amino acid with similar properties. This amino acid position is conserved. In addition, this alteration is predicted to be tolerated by in silico analysis. Since supporting evidence is limited at this time, the clinical significance of this alteration remains unclear.

Labcorp Genetics (formerly Invitae), Labcorp
Classification: Uncertain significance for Gastrointestinal stromal tumor. Last evaluated: 2023-03-28. Review status: criteria provided, single submitter. Criteria: Invitae Variant Classification Sherloc (09022015). Collection method: clinical testing. Allele origin: germline.
Comment: In summary, the available evidence is currently insufficient to determine the role of this variant in disease. Therefore, it has been classified as a Variant of Uncertain Significance. Advanced modeling of protein sequence and biophysical properties (such as structural, functional, and spatial information, amino acid conservation, physicochemical variation, residue mobility, and thermodynamic stability) performed at Invitae indicates that this missense variant is not expected to disrupt PDGFRA protein function. ClinVar contains an entry for this variant (Variation ID: 459040). This variant has not been reported in the literature in individuals affected with PDGFRA-related conditions. This variant is not present in population databases (gnomAD no frequency). This sequence change replaces threonine, which is neutral and polar, with isoleucine, which is neutral and non-polar, at codon 717 of the PDGFRA protein (p.Thr717Ile).

NM_006206.6(PDGFRA):c.2150C>T (p.Thr717Ile)

Gene: PDGFRA (platelet derived growth factor receptor alpha; plus strand). Cytogenetic location: 4q12.
Variant type: single nucleotide variant.
Coding change: c.2150C>T on transcript NM_006206.6 (MANE Select); coding-DNA position 2150, C replaced by T.
Protein change: p.Thr717Ile; replaces threonine 717 with isoleucine.
Molecular consequence: missense variant.
Genome position (GRCh38, 1-based): chr4:54,278,509, C>T. VCF-style: chr4-54278509-C-T. GRCh37 (hg19) VCF-style: chr4-55144676-C-T.
Other names: c.2150C>T, p.Thr717Ile (NM_001347827.2, NM_001347829.2); c.2225C>T, p.Thr742Ile (NM_001347828.2); c.2189C>T, p.Thr730Ile (NM_001347830.2); short protein forms T717I, T742I, T730I.
Identifiers: ClinVar variation 459040 (VCV000459040.11), dbSNP rs1553905051, ClinGen allele CA356894160.